The following is an entry in ClinVar:

ClinVar aggregate classification (germline): Conflicting classifications of pathogenicity. Review status: criteria provided, conflicting classifications (1 of 4 stars). 2 submissions from 2 submitters: Pathogenic (1); Uncertain significance (1). Last evaluated 2026-09-08.

Conditions:
Fabry disease. Also called: Ceramide trihexosidosis; Fabry's disease; HEREDITARY DYSTOPIC LIPIDOSIS; Angiokeratoma corporis diffusum; ALPHA-GALACTOSIDASE A DEFICIENCY; ANDERSON-FABRY DISEASE. Identifiers: Orphanet 324, MedGen C0002986, MONDO:0010526, OMIM 301500, HP:0001071. Disease mechanism: Fabry disease is due to inactivating mutations in the X-linked GLA gene resulting in deficiency of the enzyme Alpha Galactosidase-A., loss of function.

Submissions (2):

Genomenon, Inc
Classification: Pathogenic for Fabry disease. Last evaluated: 2026-09-08. Review status: criteria provided, single submitter. Criteria: Genomenon Sequence Variant Interpretation Standards - Updated. Collection method: curation. Allele origin: germline. Affected: yes.
Comment: GLA p.Glu48Gln (c.142G>C) is a missense variant that changes the amino acid at codon 48 from Glutamic acid to Glutamine. This variant has been observed in at least one proband with clinical features consistent with Fabry disease (PMID:23430946;26252393;29853467). At least one functional study has demonstrated a substantial alteration in protein function relative to the wild-type (PMID:27657681). This variant is located in a mutational hotspot and/or important functional domain. It is absent or not present at a significant frequency in gnomAD. In silico models predict that this variant is possibly or probably damaging. In conclusion, we classify GLA p.Glu48Gln (c.142G>C) as a pathogenic variant.

Eurofins Ntd Llc (ga)
Classification: Uncertain significance. Last evaluated: 2012-08-06. Review status: criteria provided, single submitter. Criteria: EGL Classification Definitions 2015. Collection method: clinical testing. Allele origin: germline.

Literature cited by the submitters: PubMed 23430946 (cited by Genomenon, Inc); PubMed 26252393 (cited by Genomenon, Inc); PubMed 29853467 (cited by Genomenon, Inc); PubMed 27657681 (cited by Genomenon, Inc).

NM_000169.3(GLA):c.142G>C (p.Glu48Gln)

Genes: GLA (galactosidase alpha; minus strand), RPL36A-HNRNPH2 (RPL36A-HNRNPH2 readthrough; plus strand). Cytogenetic location: Xq22.1.
Variant type: single nucleotide variant.
Coding change: c.142G>C on transcript NM_000169.3 (MANE Select); coding-DNA position 142, G replaced by C.
Protein change: p.Glu48Gln; replaces glutamic acid 48 with glutamine.
Molecular consequence: missense variant. On other transcripts: non-coding transcript variant (3), intron variant (2).
Genome position (GRCh38, 1-based): chrX:101,407,762, C>G on the plus strand (G>C on the coding strand, the complement: GLA is on the minus strand). VCF-style: chrX-101407762-C-G. GRCh37 (hg19) VCF-style: chrX-100662750-C-G.
Other names: c.142G>C, p.Glu48Gln (NM_001406747.1, NM_001406748.1, NM_001406749.1); c.301-4174C>G (NM_001199973.2); c.178-4174C>G (NM_001199974.2).
Identifiers: ClinVar variation 92544 (VCV000092544.7), dbSNP rs398123204, ClinGen allele CA021544.